The following is an entry in ClinVar:

NM_014915.3(ANKRD26):c.3311C>G (p.Thr1104Arg)

Gene: ANKRD26 (ankyrin repeat domain 26; minus strand). Cytogenetic location: 10p12.1.
Variant type: single nucleotide variant.
Coding change: c.3311C>G on transcript NM_014915.3 (MANE Select); coding-DNA position 3311, C replaced by G.
Protein change: p.Thr1104Arg; replaces threonine 1104 with arginine.
Molecular consequence: missense variant.
Genome position (GRCh38, 1-based): chr10:27,035,139, G>C on the plus strand (C>G on the coding strand, the complement: ANKRD26 is on the minus strand). VCF-style: chr10-27035139-G-C. GRCh37 (hg19) VCF-style: chr10-27324068-G-C.
Other names: c.3308C>G, p.Thr1103Arg (NM_001256053.2); short protein forms T1103R, T1104R.
Identifiers: ClinVar variation 4859113 (VCV004859113.1).

ClinVar aggregate classification (germline): Uncertain significance (1 of 4 stars; one submission).

Conditions:
Inborn genetic diseases. Identifiers: MedGen C0950123, MeSH D030342.

Submission:

Ambry Genetics
Classification: Uncertain significance for Inborn genetic diseases. Last evaluated: 2026-03-24. Review status: criteria provided, single submitter. Criteria: Ambry Variant Classification Scheme 2023. Collection method: clinical testing. Allele origin: germline.
Comment: The p.T1104R variant (also known as c.3311C>G), located in coding exon 24 of the ANKRD26 gene, results from a C to G substitution at nucleotide position 3311. The threonine at codon 1104 is replaced by arginine, an amino acid with similar properties. This amino acid position is conserved. In addition, this alteration is predicted to be tolerated by in silico analysis. Based on the available evidence, the clinical significance of this variant remains unclear.